The following is an entry in ClinVar:

ClinVar aggregate classification (germline): Conflicting classifications of pathogenicity. Review status: criteria provided, conflicting classifications (1 of 4 stars). 6 submissions from 6 submitters: Uncertain significance (3); Likely benign (3). Last evaluated 2025-08-17.

Conditions:
Cardiovascular phenotype. Identifiers: MedGen CN230736.
Cardiomyopathy (CMYO). Also called: Cardiomyopathies. Identifiers: Orphanet 167848, MedGen C0878544, MONDO:0004994, HP:0001638. Inheritance: Various modes of inheritance.
Hypertrophic cardiomyopathy. Also called: HYPERTROPHIC MYOCARDIOPATHY. Identifiers: Orphanet 217569, MedGen C0007194, MeSH D002312, MONDO:0005045, HP:0001639.

Allele frequency attached by ClinVar (database versions not stated): TOPMed below 0.00001; ExAC 0.00001; gnomAD 0.00002.
gnomAD v4.1: 21 of 1,612,918 alleles (0.0013%); highest among the groups gnomAD compares: Non-Finnish European, 0.0017%; no homozygotes.

Submissions (6):

Color Diagnostics, LLC DBA Color Health
Classification: Uncertain significance for Cardiomyopathy. Last evaluated: 2025-08-17. Review status: criteria provided, single submitter. Criteria: ACMG Guidelines, 2015. Collection method: clinical testing. Allele origin: germline.
Comment: This missense variant replaces glutamic acid with aspartic acid at codon 1399 of the MYH7 protein. Computational prediction suggests that this variant may not impact protein structure and function. To our knowledge, functional studies have not been reported for this variant. This variant has not been reported in individuals affected with MYH7-related disorders in the literature. This variant has been identified in 2/31406 chromosomes in the general population by the Genome Aggregation Database (gnomAD). The available evidence is insufficient to determine the role of this variant in disease conclusively. Therefore, this variant is classified as a Variant of Uncertain Significance.

Ambry Genetics
Classification: Likely benign for Cardiovascular phenotype. Last evaluated: 2024-11-12. Review status: criteria provided, single submitter. Criteria: Ambry Variant Classification Scheme 2023. Collection method: clinical testing. Allele origin: germline.

All of Us Research Program, National Institutes of Health
Classification: Uncertain significance for Cardiomyopathy. Last evaluated: 2023-08-08. Review status: criteria provided, single submitter. Criteria: ACMG Guidelines, 2015. Collection method: clinical testing. Allele origin: germline. Inheritance: Autosomal dominant inheritance. Observed: 1 variant allele, 1 heterozygote.
Comment: This missense variant replaces glutamic acid with aspartic acid at codon 1399 of the MYH7 protein. Computational prediction suggests that this variant may not impact protein structure and function (internally defined REVEL score threshold <= 0.5, PMID: 27666373). To our knowledge, functional studies have not been reported for this variant. This variant has not been reported in individuals affected with MYH7-related disorders in the literature. This variant has been identified in 2/31406 chromosomes in the general population by the Genome Aggregation Database (gnomAD). The available evidence is insufficient to determine the role of this variant in disease conclusively. Therefore, this variant is classified as a Variant of Uncertain Significance.

This study involves interpretation of variants in research participants for the purpose of population health screening. Participant phenotype was not available at the time of variant classification. Additional details can be found in publication PMID: 35346344, PMCID: PMC8962531

Labcorp Genetics (formerly Invitae), Labcorp
Classification: Uncertain significance for Hypertrophic cardiomyopathy. Last evaluated: 2022-08-16. Review status: criteria provided, single submitter. Criteria: Invitae Variant Classification Sherloc (09022015). Collection method: clinical testing. Allele origin: germline.
Comment: This variant has not been reported in the literature in individuals affected with MYH7-related conditions. In summary, the available evidence is currently insufficient to determine the role of this variant in disease. Therefore, it has been classified as a Variant of Uncertain Significance. Algorithms developed to predict the effect of missense changes on protein structure and function output the following: SIFT: "Tolerated"; PolyPhen-2: "Benign"; Align-GVGD: "Class C0". The aspartic acid amino acid residue is found in multiple mammalian species, which suggests that this missense change does not adversely affect protein function. ClinVar contains an entry for this variant (Variation ID: 181163). This variant is present in population databases (rs730880725, gnomAD 0.002%). This sequence change replaces glutamic acid, which is acidic and polar, with aspartic acid, which is acidic and polar, at codon 1399 of the MYH7 protein (p.Glu1399Asp).

CeGaT Center for Human Genetics Tuebingen
Classification: Likely benign. Last evaluated: 2016-07-01. Review status: criteria provided, single submitter. Criteria: CeGaT Center For Human Genetics Tuebingen Variant Classification Criteria Version 2. Collection method: clinical testing. Allele origin: germline. Affected: yes. Observed: 1 variant allele.

GeneDx
Classification: Likely benign. Last evaluated: 2013-02-20. Review status: criteria provided, single submitter. Criteria: GeneDx Variant Classification (06012015). Collection method: clinical testing. Allele origin: germline. Affected: yes.
Comment: This variant is considered likely benign or benign based on one or more of the following criteria: it is a conservative change, it occurs at a poorly conserved position in the protein, it is predicted to be benign by multiple in silico algorithms, and/or has population frequency not consistent with disease.

NM_000257.4(MYH7):c.4197A>T (p.Glu1399Asp)

Gene: MYH7 (myosin heavy chain 7; minus strand). Cytogenetic location: 14q11.2.
Variant type: single nucleotide variant.
Coding change: c.4197A>T on transcript NM_000257.4 (MANE Select); coding-DNA position 4197, A replaced by T.
Protein change: p.Glu1399Asp; replaces glutamic acid 1399 with aspartic acid.
Molecular consequence: missense variant.
Genome position (GRCh38, 1-based): chr14:23,417,659, T>A on the plus strand (A>T on the coding strand, the complement: MYH7 is on the minus strand). VCF-style: chr14-23417659-T-A. GRCh37 (hg19) VCF-style: chr14-23886868-T-A.
Other names: p.E1399D:GAA>GAT; c.4197A>T (LRG_384t1); short protein forms E1399D.
Identifiers: ClinVar variation 181163 (VCV000181163.50), dbSNP rs730880725, ClinGen allele CA014617.